The following is an entry in ClinVar:

NM_006421.5(ARFGEF1):c.4649C>T (p.Ala1550Val)

Gene: ARFGEF1 (ARF guanine nucleotide exchange factor 1; minus strand). Cytogenetic location: 8q13.2.
Variant type: single nucleotide variant.
Coding change: c.4649C>T on transcript NM_006421.5 (MANE Select); coding-DNA position 4649, C replaced by T.
Protein change: p.Ala1550Val; replaces alanine 1550 with valine.
Molecular consequence: missense variant. On other transcripts: non-coding transcript variant (1).
Genome position (GRCh38, 1-based): chr8:67,216,627, G>A on the plus strand (C>T on the coding strand, the complement: ARFGEF1 is on the minus strand). VCF-style: chr8-67216627-G-A. GRCh37 (hg19) VCF-style: chr8-68128862-G-A.
Other names: c.4649C>T, p.Ala1550Val (NM_001413189.1, NM_001413191.1, NM_001413192.1 and 5 more transcripts); c.4643C>T, p.Ala1548Val (NM_001413190.1); c.4049C>T, p.Ala1350Val (NM_001413193.1, NM_001413197.1, NM_001413188.1); c.3224C>T, p.Ala1075Val (NM_001413196.1); short protein forms A1350V, A1550V, A1075V, A1548V.
Identifiers: ClinVar variation 3128363 (VCV003128363.2), dbSNP rs763622698, ClinGen allele CA4771537.

ClinVar aggregate classification (germline): Conflicting classifications of pathogenicity. Review status: criteria provided, conflicting classifications (1 of 4 stars). 2 submissions from 2 submitters: Uncertain significance (1); Likely benign (1). Last evaluated 2026-07-01.

Conditions:
Inborn genetic diseases. Identifiers: MedGen C0950123, MeSH D030342.

Allele frequency attached by ClinVar (database versions not stated): gnomAD exomes 0.00002; ExAC 0.00003; gnomAD 0.00003.
gnomAD v4.1: 35 of 1,607,474 alleles (0.0022%); highest among the groups gnomAD compares: Admixed American, 0.0051%; no homozygotes.

Submissions (2):

CeGaT Center for Human Genetics Tuebingen
Classification: Likely benign. Last evaluated: 2026-07-01. Review status: criteria provided, single submitter. Criteria: CeGaT Center For Human Genetics Tuebingen Variant Classification Criteria Version 2. Collection method: clinical testing. Allele origin: germline. Affected: yes. Observed: 1 variant allele.
Comment: ARFGEF1: BP4

Ambry Genetics
Classification: Uncertain significance for Inborn genetic diseases. Last evaluated: 2023-12-17. Review status: criteria provided, single submitter. Criteria: Ambry Variant Classification Scheme 2023. Collection method: clinical testing. Allele origin: germline.